The following is an entry in ClinVar:

NM_022455.5(NSD1):c.4282dup (p.Asp1428fs)

Gene: NSD1 (nuclear receptor binding SET domain protein 1; plus strand). Cytogenetic location: 5q35.3.
Variant type: Duplication.
Coding change: c.4282dup on transcript NM_022455.5 (MANE Select); coding-DNA position 4282, one base duplicated (G; older notation c.4282dupG).
Protein change: p.Asp1428fs; shifts the reading frame from aspartic acid 1428.
Molecular consequence: frameshift variant.
Genome position (GRCh38, 1-based): chr5:177,239,845, G duplicated; the last of 5 consecutive G bases (chr5:177,239,841-177,239,845); duplicating any one gives the same sequence. VCF-style (leftmost placement, unchanged base first): chr5-177239840-A-AG. GRCh37 (hg19) VCF-style: chr5-176666841-A-AG.
Other names: c.3409dup, p.Asp1137Glyfs (NM_001365684.2, NM_001409306.1, NM_001409307.1 and 3 more transcripts); c.4282dup, p.Asp1428Glyfs (NM_001409301.1, NM_001409302.1, NM_001409303.1); c.3862dup, p.Asp1288Glyfs (NM_001409304.1); c.3529dup, p.Asp1177Glyfs (NM_001409305.1); short protein forms D1159fs, D1428fs.
Identifiers: ClinVar variation 211730 (VCV000211730.9), dbSNP rs797045817, ClinGen allele CA319715.

ClinVar aggregate classification (germline): Pathogenic. Review status: criteria provided, multiple submitters, no conflicts (2 of 4 stars). 2 submissions from 2 submitters: Pathogenic (2). Last evaluated 2013-02-08.

Conditions:
Sotos syndrome (SOTOS). Also called: Distinctive facial appearance, overgrowth in childhood, and learning disabilities or delayed development; CHROMOSOME 5q35 DELETION SYNDROME; CEREBRAL GIGANTISM; Sotos' syndrome; SOTOS SYNDROME 1. Identifiers: Orphanet 821, MedGen C0175695, MONDO:0019349, OMIM 117550.

Submissions (2):

Genetic Services Laboratory, University of Chicago
Classification: Pathogenic for Sotos syndrome 1. Last evaluated: 2013-02-08. Review status: criteria provided, single submitter. Criteria: ACMG Guidelines, 2007. Collection method: clinical testing. Allele origin: germline. Affected: yes.

Juno Genomics, Hangzhou Juno Genomics, Inc
Classification: Pathogenic for Sotos syndrome. Review status: criteria provided, single submitter. Criteria: ACMG Guidelines, 2015. Collection method: clinical testing. Allele origin: germline. Affected: yes.
Comment: Absent from controls (or at extremely low frequency if recessive) in Genome Aggregation Database, Exome Sequencing Project, 1000 Genomes Project, or Exome Aggregation Consortium.;Null variant in a gene where loss of function (LOF) is a known mechanism of disease.;Assumed de novo, but without confirmation of paternity and maternity.